The following is an entry in ClinVar:

NM_000062.3(SERPING1):c.165C>T (p.Phe55=)

Gene: SERPING1 (serpin family G member 1; plus strand). Cytogenetic location: 11q12.1.
Variant type: single nucleotide variant.
Coding change: c.165C>T on transcript NM_000062.3 (MANE Select); coding-DNA position 165, C replaced by T.
Protein change: p.Phe55=; no amino-acid change (phenylalanine 55 retained).
Molecular consequence: synonymous variant.
Genome position (GRCh38, 1-based): chr11:57,599,992, C>T. VCF-style: chr11-57599992-C-T. GRCh37 (hg19) VCF-style: chr11-57367465-C-T.
Other names: c.165C>T, p.Phe55= (NM_001032295.2).
Identifiers: ClinVar variation 1777442 (VCV001777442.9), dbSNP rs1945328931, ClinGen allele CA474806817.

ClinVar aggregate classification (germline): Likely benign. Review status: criteria provided, multiple submitters, no conflicts (2 of 4 stars). 3 submissions from 3 submitters: Likely benign (2). 1 of the submissions does not count toward it. Last evaluated 2024-02-19.

Conditions:
Inborn genetic diseases. Identifiers: MedGen C0950123, MeSH D030342.
SERPING1-related disorder. Also called: SERPING1-related condition.

Allele frequency attached by ClinVar (database versions not stated): TOPMed below 0.00001.
gnomAD v4.1: 1 of 1,614,174 alleles (0.000062%); highest among the groups gnomAD compares: Non-Finnish European, 0.000085%; no homozygotes.

Submissions (3):

Labcorp Genetics (formerly Invitae), Labcorp
Classification: Likely benign. Last evaluated: 2024-02-19. Review status: criteria provided, single submitter. Criteria: Invitae Variant Classification Sherloc (09022015). Collection method: clinical testing. Allele origin: germline.

Ambry Genetics
Classification: Likely benign for Inborn genetic diseases. Last evaluated: 2020-11-15. Review status: criteria provided, single submitter. Criteria: Ambry Variant Classification Scheme 2023. Collection method: clinical testing. Allele origin: germline.

PreventionGenetics, part of Exact Sciences
Classification: Likely benign for SERPING1-related condition. Last evaluated: 2020-09-29. Review status: no assertion criteria provided. Collection method: clinical testing. Allele origin: germline. Not counted in ClinVar's aggregate classification.
Comment: This variant is classified as likely benign based on ACMG/AMP sequence variant interpretation guidelines (Richards et al. 2015 PMID: 25741868, with internal and published modifications).